The following is an entry in ClinVar:

NM_004239.4(TRIP11):c.*345T>C

Gene: TRIP11 (thyroid hormone receptor interactor 11; minus strand). Cytogenetic location: 14q32.12.
Variant type: single nucleotide variant.
Coding change: c.*345T>C on transcript NM_004239.4 (MANE Select); 345 bases downstream of the stop codon, T replaced by C.
Molecular consequence: 3 prime UTR variant.
Genome position (GRCh38, 1-based): chr14:91,969,328, A>G on the plus strand (T>C on the coding strand, the complement: TRIP11 is on the minus strand). VCF-style: chr14-91969328-A-G. GRCh37 (hg19) VCF-style: chr14-92435672-A-G.
Other names: c.*345T>C (NM_001321851.1).
Identifiers: ClinVar variation 314918 (VCV000314918.7), dbSNP rs17127786, ClinGen allele CA10645327.

ClinVar aggregate classification (germline): Benign. Review status: criteria provided, multiple submitters, no conflicts (2 of 4 stars). 2 submissions from 2 submitters: Benign (2). Last evaluated 2018-07-31.

Conditions:
Achondrogenesis, type IA (ACG1A). Identifiers: Orphanet 932, Orphanet 93299, MedGen C0265273, MONDO:0008701, OMIM 200600.

Allele frequency attached by ClinVar (database versions not stated): gnomAD exomes 0.00352; gnomAD 0.02410 and 0.02579; 1000 Genomes Project 0.02416; 1000 Genomes Project 30x 0.02608; TOPMed 0.02763.
gnomAD v4.1: 4,344 of 349,120 alleles (1.2%); highest among the groups gnomAD compares: African/African-American, 8.2%; 182 homozygotes.

Submissions (2):

GeneDx
Classification: Benign. Last evaluated: 2018-07-31. Review status: criteria provided, single submitter. Criteria: GeneDx Variant Classification Process June 2021. Collection method: clinical testing. Allele origin: germline. Affected: yes.

Illumina Laboratory Services, Illumina
Classification: Benign for Achondrogenesis, type IA. Last evaluated: 2018-01-13. Review status: criteria provided, single submitter. Criteria: ICSL Variant Classification Criteria 13 December 2019. Collection method: clinical testing. Allele origin: germline.
Comment: This variant was observed in the ICSL laboratory as part of a predisposition screen in an ostensibly healthy population. It had not been previously curated by ICSL or reported in the Human Gene Mutation Database (HGMD: prior to June 1st, 2018), and was therefore a candidate for classification through an automated scoring system. Utilizing variant allele frequency, disease prevalence and penetrance estimates, and inheritance mode, an automated score was calculated to assess if this variant is too frequent to cause the disease. Based on the score and internal cut-off values, a variant classified as benign is not then subjected to further curation. The score for this variant resulted in a classification of benign for this disease.